The following is an entry in ClinVar:

NM_005477.3(HCN4):c.2056G>A (p.Val686Met)

Gene: HCN4 (hyperpolarization activated cyclic nucleotide gated potassium channel 4; minus strand). Cytogenetic location: 15q24.1.
Variant type: single nucleotide variant.
Coding change: c.2056G>A on transcript NM_005477.3 (MANE Select); coding-DNA position 2056, G replaced by A.
Protein change: p.Val686Met; replaces valine 686 with methionine.
Molecular consequence: missense variant.
Genome position (GRCh38, 1-based): chr15:73,324,176, C>T on the plus strand (G>A on the coding strand, the complement: HCN4 is on the minus strand). VCF-style: chr15-73324176-C-T. GRCh37 (hg19) VCF-style: chr15-73616517-C-T.
Other names: short protein forms V686M.
Identifiers: ClinVar variation 648120 (VCV000648120.9), dbSNP rs550848544, ClinGen allele CA7649132.
Genomic context (GRCh38, chr15:73,324,176, plus strand): 5'-CGGTCTCGAAGGCCCTTCGCATCATGGGGTACTCCTCCAGCACCTCATTGAAGTTGTCCA[C>T]GCTCAGCGAGTAGAGGCGGCAGTAGGTGTCGGCCCTCACGCTGGCTGTGCGCCGGCCCCG-3'
Protein context (NP_005468.1, residues 676-696): DTYCRLYSLS[Val686Met]DNFNEVLEEY

ClinVar aggregate classification (germline): Uncertain significance (1 of 4 stars; one submission).

Conditions:
Brugada syndrome 8 (BRGDA8). Identifiers: Orphanet 130, MedGen C2751083, MONDO:0013148, OMIM 613123.

Allele frequency attached by ClinVar (database versions not stated): 1000 Genomes Project 0.00020; ExAC 0.00001; gnomAD 0.00001; 1000 Genomes Project 30x 0.00016.
gnomAD v4.1: 1 of 1,614,128 alleles (0.000062%); highest among the groups gnomAD compares: East Asian, 0.0022%; no homozygotes.

Submission:

Labcorp Genetics (formerly Invitae), Labcorp
Classification: Uncertain significance for Brugada syndrome 8. Last evaluated: 2024-08-12. Review status: criteria provided, single submitter. Criteria: Invitae Variant Classification Sherloc (09022015). Collection method: clinical testing. Allele origin: germline.
Comment: This sequence change replaces valine, which is neutral and non-polar, with methionine, which is neutral and non-polar, at codon 686 of the HCN4 protein (p.Val686Met). This variant is not present in population databases (gnomAD no frequency). This variant has not been reported in the literature in individuals affected with HCN4-related conditions. ClinVar contains an entry for this variant (Variation ID: 648120). Advanced modeling of protein sequence and biophysical properties (such as structural, functional, and spatial information, amino acid conservation, physicochemical variation, residue mobility, and thermodynamic stability) has been performed at Invitae for this missense variant, however the output from this modeling did not meet the statistical confidence thresholds required to predict the impact of this variant on HCN4 protein function. In summary, the available evidence is currently insufficient to determine the role of this variant in disease. Therefore, it has been classified as a Variant of Uncertain Significance.